The following is an entry in ClinVar:

ClinVar aggregate classification (germline): Uncertain significance. Review status: criteria provided, multiple submitters, no conflicts (2 of 4 stars). 2 submissions from 2 submitters: Uncertain significance (2). Last evaluated 2025-02-24.

Conditions:
COL9A1-related disorder. Also called: COL9A1-related disorders; COL9A1-related condition.

Allele frequency attached by ClinVar (database versions not stated): gnomAD exomes below 0.00001 and 0.00001; TOPMed below 0.00001; ExAC 0.00001; gnomAD 0.00001.

Submissions (2):

PreventionGenetics, part of Exact Sciences
Classification: Uncertain significance for COL9A1-related condition. Last evaluated: 2025-02-24. Review status: criteria provided, single submitter. Criteria: ACMG Guidelines, 2015. Collection method: clinical testing. Allele origin: germline.
Comment: The COL9A1 c.877G>A variant is predicted to result in the amino acid substitution p.Gly293Ser. To our knowledge, this variant has not been reported in the literature. This variant is reported in 0.0018% of alleles in individuals of European (Non-Finnish) descent in gnomAD. At this time, the clinical significance of this variant is uncertain due to the absence of conclusive functional and genetic evidence.

Labcorp Genetics (formerly Invitae), Labcorp
Classification: Uncertain significance. Last evaluated: 2021-09-02. Review status: criteria provided, single submitter. Criteria: Invitae Variant Classification Sherloc (09022015). Collection method: clinical testing. Allele origin: germline.
Comment: This sequence change replaces glycine with serine at codon 293 of the COL9A1 protein (p.Gly293Ser). The glycine residue is highly conserved and there is a small physicochemical difference between glycine and serine. This variant is present in population databases (rs780415209, ExAC 0.002%). This variant has not been reported in the literature in individuals affected with COL9A1-related conditions. Algorithms developed to predict the effect of missense changes on protein structure and function are either unavailable or do not agree on the potential impact of this missense change (SIFT: "Deleterious"; PolyPhen-2: "Not Available"; Align-GVGD: "Class C55"). In summary, the available evidence is currently insufficient to determine the role of this variant in disease. Therefore, it has been classified as a Variant of Uncertain Significance.

NM_001851.6(COL9A1):c.877G>A (p.Gly293Ser)

Gene: COL9A1 (collagen type IX alpha 1 chain; minus strand). Cytogenetic location: 6q13.
Variant type: single nucleotide variant.
Coding change: c.877G>A on transcript NM_001851.6 (MANE Select); coding-DNA position 877, G replaced by A.
Protein change: p.Gly293Ser; replaces glycine 293 with serine.
Molecular consequence: missense variant. On other transcripts: non-coding transcript variant (1).
Genome position (GRCh38, 1-based): chr6:70,281,039, C>T on the plus strand (G>A on the coding strand, the complement: COL9A1 is on the minus strand). VCF-style: chr6-70281039-C-T. GRCh37 (hg19) VCF-style: chr6-70990742-C-T.
Other names: c.148G>A, p.Gly50Ser (NM_001377289.1, NM_001377290.1, NM_078485.4); c.877G>A, p.Gly293Ser (NM_001377291.1); short protein forms G293S, G50S.
Identifiers: ClinVar variation 968626 (VCV000968626.8), dbSNP rs780415209, ClinGen allele CA3882600.
Genomic context (GRCh38, chr6:70,281,039, plus strand): 5'-GCGCCATATGCTCCAATCAACTTACCGGGGGGCCCGGGGGGCCCTTAGGACCTCGGTCAC[C>T]CTGGAGGGGTAGGAGAAAAAGAGAGAGCAGTCTATGAGCGGGATAGGCTGAGGACCCCAC-3'
Protein context (NP_001842.3, residues 283-303): PGVPGIDGID[Gly293Ser]DRGPKGPPGP